The following is an entry in ClinVar:

NM_005634.3(SOX3):c.1074A>G (p.Ala358=)

Gene: SOX3 (SRY-box transcription factor 3; minus strand). Cytogenetic location: Xq27.1.
Variant type: single nucleotide variant.
Coding change: c.1074A>G on transcript NM_005634.3 (MANE Select); coding-DNA position 1074, A replaced by G.
Protein change: p.Ala358=; no amino-acid change (alanine 358 retained).
Molecular consequence: synonymous variant.
Genome position (GRCh38, 1-based): chrX:140,503,987, T>C on the plus strand (A>G on the coding strand, the complement: SOX3 is on the minus strand). VCF-style: chrX-140503987-T-C. GRCh37 (hg19) VCF-style: chrX-139586152-T-C.
Identifiers: ClinVar variation 3352686 (VCV003352686.1).

ClinVar aggregate classification (germline): Likely benign (0 of 4 stars; one submission).

Conditions:
SOX3-related disorder. Also called: SOX3-related condition; SOX3-Related Disorders.

Submission:

PreventionGenetics, part of Exact Sciences
Classification: Likely benign for SOX3-related condition. Last evaluated: 2024-08-28. Review status: no assertion criteria provided. Collection method: clinical testing. Allele origin: germline.
Comment: This variant is classified as likely benign based on ACMG/AMP sequence variant interpretation guidelines (Richards et al. 2015 PMID: 25741868, with internal and published modifications).